The following is an entry in ClinVar:

NM_002519.3(NPAT):c.4069C>G (p.Gln1357Glu)

Gene: NPAT (nuclear protein, coactivator of histone transcription; minus strand). Cytogenetic location: 11q22.3.
Variant type: single nucleotide variant.
Coding change: c.4069C>G on transcript NM_002519.3 (MANE Select); coding-DNA position 4069, C replaced by G.
Protein change: p.Gln1357Glu; replaces glutamine 1357 with glutamic acid.
Molecular consequence: missense variant.
Genome position (GRCh38, 1-based): chr11:108,161,017, G>C on the plus strand (C>G on the coding strand, the complement: NPAT is on the minus strand). VCF-style: chr11-108161017-G-C. GRCh37 (hg19) VCF-style: chr11-108031744-G-C.
Other names: c.4090C>G, p.Gln1364Glu (NM_001321307.1); short protein forms Q1357E, Q1364E.
Identifiers: ClinVar variation 1737520 (VCV001737520.2), dbSNP rs2496693415, ClinGen allele CA382509441.

ClinVar aggregate classification (germline): Uncertain significance (1 of 4 stars; one submission).

Submission:

Ambry Genetics
Classification: Uncertain significance. Last evaluated: 2021-09-17. Review status: criteria provided, single submitter. Criteria: Ambry Variant Classification Scheme 2023. Collection method: clinical testing. Allele origin: germline.
Comment: The p.Q1357E variant (also known as c.4069C>G), located in coding exon 17 of the NPAT gene, results from a C to G substitution at nucleotide position 4069. The glutamine at codon 1357 is replaced by glutamic acid, an amino acid with highly similar properties. This amino acid position is conserved. In addition, this alteration is predicted to be tolerated by in silico analysis. Since supporting evidence is limited at this time, the clinical significance of this alteration remains unclear.